The following is an entry in ClinVar:

NM_001267550.2(TTN):c.5262del (p.Asn1755fs)

Gene: TTN (titin; minus strand). Cytogenetic location: 2q31.2.
Variant type: Deletion.
Coding change: c.5262del on transcript NM_001267550.2 (MANE Select); coding-DNA position 5262, one base deleted (C; older notation c.5262delC).
Protein change: p.Asn1755fs; shifts the reading frame from asparagine 1755.
Molecular consequence: frameshift variant.
Genome position (GRCh38, 1-based): chr2:178,776,602, G deleted on the plus strand (C on the coding strand, the reverse complement: TTN is on the minus strand). VCF-style (leftmost placement, unchanged base first): chr2-178776601-TG-T. GRCh37 (hg19) VCF-style: chr2-179641328-TG-T.
Other names: c.5262del, p.Asn1755fs (NM_001256850.1, NM_133378.4, NM_133379.5); c.5124del, p.Asn1709fs (NM_003319.4, NM_133432.3, NM_133437.4); c.5124delC (NM_003319.4); short protein forms N1709fs, N1755fs.
Identifiers: ClinVar variation 3760135 (VCV003760135.3).

ClinVar aggregate classification (germline): Likely pathogenic. Review status: criteria provided, multiple submitters, no conflicts (2 of 4 stars). 2 submissions from 2 submitters: Likely pathogenic (2). Last evaluated 2026-07-14.

Conditions:
Dilated cardiomyopathy 1G (CMD1G). Identifiers: Orphanet 154, MedGen C1858763, MONDO:0011400, OMIM 604145.
Autosomal recessive limb-girdle muscular dystrophy type 2J (LGMDR10). Also called: Limb-girdle muscular dystrophy, type 2J; MUSCULAR DYSTROPHY, LIMB-GIRDLE, AUTOSOMAL RECESSIVE 10. Identifiers: Orphanet 140922, MedGen C1837342, MONDO:0012127, OMIM 608807.
Cardiovascular phenotype. Identifiers: MedGen CN230736.

Submissions (2):

Ambry Genetics
Classification: Likely pathogenic for Cardiovascular phenotype. Last evaluated: 2026-07-14. Review status: criteria provided, single submitter. Criteria: Ambry Variant Classification Scheme 2023. Collection method: clinical testing. Allele origin: germline.
Comment: The c.5124delC variant, located in coding exon 26 of the TTN gene, results from a deletion of one nucleotide at nucleotide position 5124, causing a translational frameshift with a predicted alternate stop codon (p.N1709Mfs*65). This exon is located in the near Z-disk/I-band region of the N2-B isoform of the titin protein and is constitutively expressed in TTN transcripts (percent spliced in or PSI 100%). This variant is considered to be rare based on population cohorts in the Genome Aggregation Database (gnomAD). This variant is expected to result in loss of function by premature protein truncation or nonsense-mediated mRNA decay. While truncating variants in TTN are present in 1-3% of the general population, truncating variants in the A-band are the most common cause of dilated cardiomyopathy (Herman DS et al. N. Engl. J. Med., 2012 Feb;366:619-28; Roberts AM et al. Sci Transl Med, 2015 Jan;7:270ra6). TTN truncating variants encoded in constitutive exons (PSI >90%) have been found to be significantly associated with DCM regardless of their position in titin (Schafer S et al. Nat. Genet., 2017 01;49:46-53; Akhtar MM et al. Circ Heart Fail, 2020 Oct;13:e006832; Massier M et al. Clin Genet, 2025 Jan). Based on the majority of available evidence to date, this variant is likely to be pathogenic.

Labcorp Genetics (formerly Invitae), Labcorp
Classification: Likely pathogenic for Dilated cardiomyopathy 1G; Autosomal recessive limb-girdle muscular dystrophy type 2J. Last evaluated: 2025-03-26. Review status: criteria provided, single submitter. Criteria: Invitae Variant Classification Sherloc (09022015). Collection method: clinical testing. Allele origin: germline.
Comment: This sequence change creates a premature translational stop signal (p.Asn1755Metfs*65) in the TTN gene. While this is not anticipated to result in nonsense mediated decay, it is expected to create a truncated TTN protein. This variant is not present in population databases (gnomAD no frequency). This variant has not been observed in the literature in individuals with autosomal recessive TTN-related conditions. This variant has been reported in individual(s) with dilated cardiomyopathy (internal data); however, the role of the variant in this condition is currently unclear. This variant is located in the Z band of TTN (PMID: 25589632). Truncating variants in this region have been reported in individuals affected with autosomal recessive centronuclear myopathy (PMID: 33449170, internal data). Truncating variants in this region have also been identified in individuals affected with autosomal dominant dilated cardiomyopathy and/or cardio-related conditions (PMID: 27869827, 32964742, internal data). In summary, the currently available evidence indicates that the variant is pathogenic, but additional data are needed to prove that conclusively. Therefore, this variant has been classified as Likely Pathogenic.

Literature cited by the submitters: PubMed 25589632 (cited by Labcorp Genetics (formerly Invitae), Labcorp); PubMed 33449170 (cited by Labcorp Genetics (formerly Invitae), Labcorp); PubMed 27869827 (cited by Labcorp Genetics (formerly Invitae), Labcorp); PubMed 32964742 (cited by Labcorp Genetics (formerly Invitae), Labcorp).